The following is an entry in ClinVar:

NM_001042492.3(NF1):c.4381A>G (p.Met1461Val)

Gene: NF1 (neurofibromin 1; plus strand). Cytogenetic location: 17q11.2.
Variant type: single nucleotide variant.
Coding change: c.4381A>G on transcript NM_001042492.3 (MANE Select); coding-DNA position 4381, A replaced by G.
Protein change: p.Met1461Val; replaces methionine 1461 with valine.
Molecular consequence: missense variant.
Genome position (GRCh38, 1-based): chr17:31,259,080, A>G. VCF-style: chr17-31259080-A-G. GRCh37 (hg19) VCF-style: chr17-29586098-A-G.
Other names: c.4318A>G, p.Met1440Val (NM_000267.4); short protein forms M1461V, M1440V.
Identifiers: ClinVar variation 859637 (VCV000859637.15), dbSNP rs1555618675, ClinGen allele CA398998845.
Genomic context (GRCh38, chr17:31,259,080, plus strand): 5'-TTTATTGTGTAGATACTTCAGAGTATTGCCAATCATGTTCTCTTCACAAAAGAAGAACAT[A>G]TGCGGCCTTTCAATGATTTTGTGAAAAGCAACTTTGATGCAGCACGCAGGTAATTTTCTT-3'
Protein context (NP_001035957.1, residues 1451-1471): NHVLFTKEEH[Met1461Val]RPFNDFVKSN

ClinVar aggregate classification (germline): Conflicting classifications of pathogenicity. Review status: criteria provided, conflicting classifications (1 of 4 stars). 6 submissions from 6 submitters: Likely pathogenic (4); Uncertain significance (2). Last evaluated 2026-09-04.

Conditions:
Neurofibromatosis, type 1 (NF1). Also called: VON RECKLINGHAUSEN DISEASE; NEUROFIBROMATOSIS, TYPE I, SOMATIC; Peripheral type neurofibromatosis; Neurofibromatosis, type I. Identifiers: Orphanet 636, MedGen C0027831, MONDO:0018975, OMIM 162200. Disease mechanism: loss of function.
Hereditary cancer-predisposing syndrome. Also called: Neoplastic Syndromes, Hereditary; Tumor predisposition; Hereditary neoplastic syndrome; Hereditary Cancer Syndrome. Identifiers: Orphanet 140162, MedGen C0027672, MeSH D009386, MONDO:0015356.
Cardiovascular phenotype. Identifiers: MedGen CN230736.

Allele frequency attached by ClinVar (database versions not stated): gnomAD exomes below 0.00001.

Submissions (6):

Clinical Genetics Laboratory, Skane University Hospital Lund
Classification: Likely pathogenic for Neurofibromatosis, type 1. Last evaluated: 2026-09-04. Review status: criteria provided, single submitter. Criteria: ACMG Guidelines, 2015. Collection method: clinical testing. Allele origin: germline. Inheritance: Autosomal dominant inheritance. Affected: yes.
Comment: ACMG criteria used: PS4_Moderate, PM2, PP1, PP3.

Dasa
Classification: Uncertain significance. Last evaluated: 2025-12-24. Review status: criteria provided, single submitter. Criteria: DASA Assertion Criteria. Collection method: clinical testing. Allele origin: germline.
Comment: NM_001042492.3(NF1):c.4381A>G (p.Met1461Val) is a missense variant that results in the substitution of methionine with valine. The affected residue or protein region has prior evidence supporting clinical relevance. This variant has been reported in individuals with NF1-related disorders (PMID: 24789688). Also, this variant is rare in population databases. Computational prediction algorithms are consistent with a deleterious effect. The currently available literature and clinical evidence are not sufficient to establish a definitive association between this variant and the reported condition. Therefore, this variant is classified as a variant of uncertain significance.

Labcorp Genetics (formerly Invitae), Labcorp
Classification: Likely pathogenic for Neurofibromatosis, type 1. Last evaluated: 2025-07-24. Review status: criteria provided, single submitter. Criteria: Invitae Variant Classification Sherloc (09022015). Collection method: clinical testing. Allele origin: germline.
Comment: This sequence change replaces methionine, which is neutral and non-polar, with valine, which is neutral and non-polar, at codon 1440 of the NF1 protein (p.Met1440Val). This variant is not present in population databases (gnomAD no frequency). This missense change has been observed in individual(s) with clinical features of neurofibromatosis type I (PMID: 24789688). ClinVar contains an entry for this variant (Variation ID: 859637). Invitae Evidence Modeling of protein sequence and biophysical properties (such as structural, functional, and spatial information, amino acid conservation, physicochemical variation, residue mobility, and thermodynamic stability) indicates that this missense variant is expected to disrupt NF1 protein function with a positive predictive value of 95%. This variant disrupts the p.Met1440 amino acid residue in NF1. Other variant(s) that disrupt this residue have been determined to be pathogenic (PMID: 25074460). This suggests that this residue is clinically significant, and that variants that disrupt this residue are likely to be disease-causing. In summary, the currently available evidence indicates that the variant is pathogenic, but additional data are needed to prove that conclusively. Therefore, this variant has been classified as Likely Pathogenic.

NHS Central & South Genomic Laboratory Hub
Classification: Likely pathogenic for Neurofibromatosis type 1. Last evaluated: 2024-11-11. Review status: criteria provided, single submitter. Criteria: ACMG Guidelines, 2015. Collection method: clinical testing. Allele origin: germline. Affected: yes.

Ambry Genetics
Classification: Uncertain significance for Cardiovascular phenotype; Hereditary cancer-predisposing syndrome. Last evaluated: 2020-09-10. Review status: criteria provided, single submitter. Criteria: Ambry Variant Classification Scheme 2023. Collection method: clinical testing. Allele origin: germline.
Comment: The p.M1440V variant (also known as c.4318A>G), located in coding exon 32 of the NF1 gene, results from an A to G substitution at nucleotide position 4318. The methionine at codon 1440 is replaced by valine, an amino acid with highly similar properties. This alteration has been previously identified in an individual with a clinical diagnosis or clinical suspicion of neurofibromatosis type 1 (Xu W et al. Int. J. Mol. Med., 2014 Jul;34:53-60). This amino acid position is highly conserved in available vertebrate species. In addition, this alteration is predicted to be deleterious by in silico analysis. Since supporting evidence is limited at this time, the clinical significance of this alteration remains unclear.

Juno Genomics, Hangzhou Juno Genomics, Inc
Classification: Likely pathogenic for Neurofibromatosis, type 1. Review status: criteria provided, single submitter. Criteria: ACMG Guidelines, 2015. Collection method: clinical testing. Allele origin: germline. Affected: yes.
Comment: Absent from controls (or at extremely low frequency if recessive) in Genome Aggregation Database, Exome Sequencing Project, 1000 Genomes Project, or Exome Aggregation Consortium.;Multiple lines of computational evidence support a deleterious effect on the gene or gene product (conservation, evolutionary, splicing impact, etc).;Missense variant in a gene that has a low rate of benign missense variation and where missense variants are a common mechanism of disease.;The prevalence of the variant in affected individuals is significantly increased compared to the prevalence in controls.;Patient's phenotype or family history is highly specific for a disease with a single genetic etiology.

Literature cited by the submitters: PubMed 24789688 (cited by Dasa and Labcorp Genetics (formerly Invitae), Labcorp); PubMed 25074460 (cited by Dasa and Labcorp Genetics (formerly Invitae), Labcorp).